The following is an entry in ClinVar:

NM_001025616.3(ARHGAP24):c.473A>G (p.Gln158Arg)

Gene: ARHGAP24 (Rho GTPase activating protein 24; plus strand). Cytogenetic location: 4q21.23.
Variant type: single nucleotide variant.
Coding change: c.473A>G on transcript NM_001025616.3 (MANE Select); coding-DNA position 473, A replaced by G.
Protein change: p.Gln158Arg; replaces glutamine 158 with arginine.
Molecular consequence: missense variant. On other transcripts: intron variant (1).
Genome position (GRCh38, 1-based): chr4:85,942,147, A>G. VCF-style: chr4-85942147-A-G. GRCh37 (hg19) VCF-style: chr4-86863300-A-G.
Other names: ARHGAP24, GLN158ARG (rs112475438); c.188A>G, p.Gln63Arg (NM_001042669.2); c.218A>G, p.Gln73Arg (NM_001287805.2); c.194A>G, p.Gln65Arg (NM_031305.3); c.20+18377A>G (NM_001346093.2); short protein forms Q158R, Q63R, Q65R, Q73R.
Identifiers: ClinVar variation 224509 (VCV000224509.10), dbSNP rs112475438, ClinGen allele CA354985.

ClinVar aggregate classification (germline): Uncertain significance. Review status: criteria provided, multiple submitters, no conflicts (2 of 4 stars). 4 submissions from 4 submitters: Uncertain significance (2). 2 of the submissions do not count toward it. Last evaluated 2026-09-25.

Conditions:
ARHGAP24-related disorder. Also called: ARHGAP24-related condition.

Allele frequency attached by ClinVar (database versions not stated): TOPMed 0.00017; gnomAD 0.00004; ExAC 0.00034.
gnomAD v4.1: 133 of 1,613,946 alleles (0.0082%); highest among the groups gnomAD compares: Admixed American, 0.22%; 2 homozygotes.

Submissions (4):

GeneDx
Classification: Uncertain significance. Last evaluated: 2026-09-25. Review status: criteria provided, single submitter. Criteria: GeneDx Variant Classification Process June 2021. Collection method: clinical testing. Allele origin: germline.
Comment: Identified in patients with steroid-resistant nephrotic syndrome (SRNS) and/or focal segmental glomerulosclerosis (FSGS) in published literature (PMID: 21911940, 30406062); Published functional studies demonstrate a damaging effect as the p.(Q158R) reduces enzymatic activity (PMID: 21911940); In silico analysis supports that this missense variant has a deleterious effect on protein structure/function; This variant is associated with the following publications: (PMID: 36168627, 21911940, 30406062)

Labcorp Genetics (formerly Invitae), Labcorp
Classification: Uncertain significance. Last evaluated: 2025-11-27. Review status: criteria provided, single submitter. Criteria: Invitae Variant Classification Sherloc (09022015). Collection method: clinical testing. Allele origin: germline.
Comment: This sequence change replaces glutamine, which is neutral and polar, with arginine, which is basic and polar, at codon 158 of the ARHGAP24 protein (p.Gln158Arg). This variant is present in population databases (rs112475438, gnomAD 0.3%), and has an allele count higher than expected for a pathogenic variant. This missense change has been observed in individual(s) with clinical features of ARHGAP24-related conditions (PMID: 21911940, 30406062). It has also been observed to segregate with disease in related individuals. ClinVar contains an entry for this variant (Variation ID: 224509). An algorithm developed to predict the effect of missense changes on protein structure and function (PolyPhen-2) suggests that this variant is likely to be tolerated. Experimental studies have shown that this missense change affects ARHGAP24 function (PMID: 21911940). In summary, the available evidence is currently insufficient to determine the role of this variant in disease. Therefore, it has been classified as a Variant of Uncertain Significance.

PreventionGenetics, part of Exact Sciences
Classification: Uncertain significance for ARHGAP24-related condition. Last evaluated: 2024-01-24. Review status: no assertion criteria provided. Collection method: clinical testing. Allele origin: germline. Not counted in ClinVar's aggregate classification.
Comment: The ARHGAP24 c.473A>G variant is predicted to result in the amino acid substitution p.Gln158Arg. This variant was reported in the heterozygous state to segregate with end-stage kidney disease and focal segmental glomerulosclerosis in a family with three affected and two unaffected individuals, and functional assays demonstrated reduced ARHGAP24 enzymatic activity (Akilesh et al. 2011. PubMed ID: 21911940). This variant was also reported in the heterozygous state in two unrelated individuals with steroid-resistant nephrotic syndrome (Table S2, Varner et al. 2018. PubMed ID: 30406062). This variant is reported in 0.32% of alleles in individuals of Latino descent in gnomAD, including one homozygous individual. At this time, the clinical significance of this variant is uncertain due to the absence of conclusive functional and genetic evidence.

OMIM
Classification: Uncertain significance for VARIANT OF UNKNOWN SIGNIFICANCE. Last evaluated: 2016-03-14. Review status: no assertion criteria provided. Collection method: literature only. Allele origin: germline. Not counted in ClinVar's aggregate classification.

Literature cited by the submitters: PubMed 21911940 (cited by Labcorp Genetics (formerly Invitae), Labcorp and OMIM); PubMed 30406062 (cited by Labcorp Genetics (formerly Invitae), Labcorp); Kniffin, C. L. Personal Communication. 2016. Baltimore, Md. (cited by OMIM).